The following is an entry in ClinVar:

NM_015909.4(NBAS):c.5540A>G (p.Tyr1847Cys)

Gene: NBAS (NBAS subunit of NRZ tethering complex; minus strand). Cytogenetic location: 2p24.3.
Variant type: single nucleotide variant.
Coding change: c.5540A>G on transcript NM_015909.4 (MANE Select); coding-DNA position 5540, A replaced by G.
Protein change: p.Tyr1847Cys; replaces tyrosine 1847 with cysteine.
Molecular consequence: missense variant. On other transcripts: non-coding transcript variant (1).
Genome position (GRCh38, 1-based): chr2:15,275,668, T>C on the plus strand (A>G on the coding strand, the complement: NBAS is on the minus strand). VCF-style: chr2-15275668-T-C. GRCh37 (hg19) VCF-style: chr2-15415792-T-C.
Other names: short protein forms Y1847C.
Identifiers: ClinVar variation 2004492 (VCV002004492.4), dbSNP rs1377144713, ClinGen allele CA345882822.

ClinVar aggregate classification (germline): Uncertain significance (1 of 4 stars; one submission).

Allele frequency attached by ClinVar (database versions not stated): gnomAD 0.00001; TOPMed 0.00001.
gnomAD v4.1: 1 of 1,614,116 alleles (0.000062%); highest among the groups gnomAD compares: African/African-American, 0.0013%; no homozygotes.

Submission:

Labcorp Genetics (formerly Invitae), Labcorp
Classification: Uncertain significance. Last evaluated: 2022-06-10. Review status: criteria provided, single submitter. Criteria: Invitae Variant Classification Sherloc (09022015). Collection method: clinical testing. Allele origin: germline.
Comment: This variant has not been reported in the literature in individuals affected with NBAS-related conditions. In summary, the available evidence is currently insufficient to determine the role of this variant in disease. Therefore, it has been classified as a Variant of Uncertain Significance. Algorithms developed to predict the effect of missense changes on protein structure and function (SIFT, PolyPhen-2, Align-GVGD) all suggest that this variant is likely to be disruptive. This variant is not present in population databases (gnomAD no frequency). This sequence change replaces tyrosine, which is neutral and polar, with cysteine, which is neutral and slightly polar, at codon 1847 of the NBAS protein (p.Tyr1847Cys).